The following is an entry in ClinVar:

NM_001378454.1(ALMS1):c.7402A>G (p.Ser2468Gly)

Gene: ALMS1 (ALMS1 centrosome and basal body associated protein; plus strand). Cytogenetic location: 2p13.1.
Variant type: single nucleotide variant.
Coding change: c.7402A>G on transcript NM_001378454.1 (MANE Select); coding-DNA position 7402, A replaced by G.
Protein change: p.Ser2468Gly; replaces serine 2468 with glycine.
Molecular consequence: missense variant.
Genome position (GRCh38, 1-based): chr2:73,453,929, A>G. VCF-style: chr2-73453929-A-G. GRCh37 (hg19) VCF-style: chr2-73681056-A-G.
Other names: c.7405A>G, p.Ser2469Gly (NM_015120.4); short protein forms S2469G, S2468G.
Identifiers: ClinVar variation 403925 (VCV000403925.15), dbSNP rs1007457582, ClinGen allele CA16611216.

ClinVar aggregate classification (germline): Uncertain significance. Review status: criteria provided, multiple submitters, no conflicts (2 of 4 stars). 6 submissions from 6 submitters: Uncertain significance (4). 2 of the submissions do not count toward it. Last evaluated 2025-07-17.

Conditions:
Cardiovascular phenotype. Identifiers: MedGen CN230736.
Alstrom syndrome (ALMS). Identifiers: Orphanet 64, MedGen C0268425, MONDO:0008763, OMIM 203800.

Allele frequency attached by ClinVar (database versions not stated): gnomAD exomes below 0.00001 and 0.00001; gnomAD 0.00004 and 0.00005; TOPMed 0.00004.
gnomAD v4.1: 13 of 1,613,946 alleles (0.00081%); highest among the groups gnomAD compares: African/African-American, 0.017%; no homozygotes.

Submissions (6):

Ambry Genetics
Classification: Uncertain significance for Cardiovascular phenotype. Last evaluated: 2025-07-17. Review status: criteria provided, single submitter. Criteria: Ambry Variant Classification Scheme 2023. Collection method: clinical testing. Allele origin: germline.
Comment: The p.S2469G variant (also known as c.7405A>G), located in coding exon 8 of the ALMS1 gene, results from an A to G substitution at nucleotide position 7405. The serine at codon 2469 is replaced by glycine, an amino acid with similar properties. This amino acid position is highly conserved in available vertebrate species. In addition, this alteration is predicted to be tolerated by in silico analysis. Based on the available evidence, the clinical significance of this variant remains unclear.

GeneDx
Classification: Uncertain significance. Last evaluated: 2023-05-18. Review status: criteria provided, single submitter. Criteria: GeneDx Variant Classification Process June 2021. Collection method: clinical testing. Allele origin: germline. Affected: yes.
Comment: Not observed at significant frequency in large population cohorts (gnomAD); In silico analysis supports that this missense variant has a deleterious effect on protein structure/function; Has not been previously published as pathogenic or benign to our knowledge

Fulgent Genetics
Classification: Uncertain significance for Alstrom syndrome. Last evaluated: 2021-10-07. Review status: criteria provided, single submitter. Criteria: ACMG Guidelines, 2015. Collection method: clinical testing. Allele origin: unknown.

Labcorp Genetics (formerly Invitae), Labcorp
Classification: Uncertain significance for Alstrom syndrome. Last evaluated: 2021-09-02. Review status: criteria provided, single submitter. Criteria: Invitae Variant Classification Sherloc (09022015). Collection method: clinical testing. Allele origin: germline.

Natera, Inc.
Classification: Uncertain significance for Alstrom syndrome. Last evaluated: 2021-01-19. Review status: no assertion criteria provided. Collection method: clinical testing. Allele origin: germline. Not counted in ClinVar's aggregate classification.

Counsyl
Classification: Uncertain significance for Alstrom syndrome. Last evaluated: 2017-10-18. Review status: no assertion criteria provided. Collection method: clinical testing. Allele origin: unknown. Not counted in ClinVar's aggregate classification.